The following is an entry in ClinVar:

NM_052876.4(NACC1):c.401A>G (p.His134Arg)

Gene: NACC1 (nucleus accumbens associated 1; plus strand). Cytogenetic location: 19p13.13.
Variant type: single nucleotide variant.
Coding change: c.401A>G on transcript NM_052876.4 (MANE Select); coding-DNA position 401, A replaced by G.
Protein change: p.His134Arg; replaces histidine 134 with arginine.
Molecular consequence: missense variant.
Genome position (GRCh38, 1-based): chr19:13,135,608, A>G. VCF-style: chr19-13135608-A-G. GRCh37 (hg19) VCF-style: chr19-13246422-A-G.
Other names: short protein forms H134R.
Identifiers: ClinVar variation 1358278 (VCV001358278.8), dbSNP rs1015067670, ClinGen allele CA305552890.

ClinVar aggregate classification (germline): Uncertain significance (1 of 4 stars; one submission).

Allele frequency attached by ClinVar (database versions not stated): TOPMed below 0.00001.

Submission:

Labcorp Genetics (formerly Invitae), Labcorp
Classification: Uncertain significance. Last evaluated: 2020-12-21. Review status: criteria provided, single submitter. Criteria: Invitae Variant Classification Sherloc (09022015). Collection method: clinical testing. Allele origin: germline.
Comment: This sequence change replaces histidine with arginine at codon 134 of the NACC1 protein (p.His134Arg). The histidine residue is highly conserved and there is a small physicochemical difference between histidine and arginine. In summary, the available evidence is currently insufficient to determine the role of this variant in disease. Therefore, it has been classified as a Variant of Uncertain Significance. Algorithms developed to predict the effect of missense changes on protein structure and function are either unavailable or do not agree on the potential impact of this missense change (SIFT: "Deleterious"; PolyPhen-2: "Benign"; Align-GVGD: "Class C25"). This variant has not been reported in the literature in individuals with NACC1-related conditions. This variant is not present in population databases (ExAC no frequency).